The following is an entry in ClinVar:

ClinVar aggregate classification (germline): Pathogenic (1 of 4 stars; one submission).

Conditions:
Duchenne muscular dystrophy (DMD). Also called: MUSCULAR DYSTROPHY, PSEUDOHYPERTROPHIC PROGRESSIVE, DUCHENNE TYPE; Duchenne Muscular Dystrophy (DMD). Identifiers: Orphanet 98896, MedGen C0013264, MONDO:0010679, OMIM 310200.

Submission:

Labcorp Genetics (formerly Invitae), Labcorp
Classification: Pathogenic for Duchenne muscular dystrophy. Last evaluated: 2023-10-05. Review status: criteria provided, single submitter. Criteria: Invitae Variant Classification Sherloc (09022015). Collection method: clinical testing. Allele origin: germline.
Comment: This variant is a gross deletion of the genomic region encompassing exon(s) 64 of the DMD gene. This variant would be expected to be in-frame, preserving the integrity of the reading frame. A similar copy number variant has been observed in individuals with DMD-related muscular dystrophy (PMID: 15351422, 22510846, 24504883, 24770780, 31705731). For these reasons, this variant has been classified as Pathogenic.

Literature cited by the submitters: PubMed 15351422; PubMed 22510846; PubMed 24504883; PubMed 24770780; PubMed 31705731.

NC_000023.11:g.(?_31223027)_(31223141_?)del

Gene: DMD (dystrophin; minus strand). Cytogenetic location: Xp21.2.
Variant type: Deletion.
Identifiers: ClinVar variation 583653 (VCV000583653.7).